The following is an entry in ClinVar:

NM_007103.4(NDUFV1):c.1080G>A (p.Ser360=)

Gene: NDUFV1 (NADH:ubiquinone oxidoreductase core subunit V1; plus strand). Cytogenetic location: 11q13.2.
Variant type: single nucleotide variant.
Coding change: c.1080G>A on transcript NM_007103.4 (MANE Select); coding-DNA position 1080, G replaced by A.
Protein change: p.Ser360=; no amino-acid change (serine 360 retained).
Molecular consequence: synonymous variant.
Genome position (GRCh38, 1-based): chr11:67,611,569, G>A. VCF-style: chr11-67611569-G-A. GRCh37 (hg19) VCF-style: chr11-67379040-G-A.
Other names: c.1053G>A, p.Ser351= (NM_001166102.2).
Identifiers: ClinVar variation 972920 (VCV000972920.13), dbSNP rs201992354, ClinGen allele CA6143377.

ClinVar aggregate classification (germline): Conflicting classifications of pathogenicity. Review status: criteria provided, conflicting classifications (1 of 4 stars). 4 submissions from 4 submitters: Pathogenic (1); Likely pathogenic (2); Uncertain significance (1). Last evaluated 2025-01-28.

Conditions:
Mitochondrial complex I deficiency. Also called: NADH:Q(1) OXIDOREDUCTASE DEFICIENCY. Identifiers: Orphanet 2609, MedGen C1838979, MeSH C537475, MONDO:0100133.
Leigh syndrome (NULS). Also called: Leigh Disease; Subacute necrotizing encephalopathy; Necrotizing encephalopathy infantile subacute of Leigh; Leigh's necrotizing encephalopathy; Leigh's disease; Leigh's syndrome. Identifiers: Orphanet 506, MedGen C2931891, MONDO:0009723, OMIM 256000.

Allele frequency attached by ClinVar (database versions not stated): TOPMed 0.00001; gnomAD 0.00002 and 0.00003; ExAC 0.00004; gnomAD exomes 0.00004; 1000 Genomes Project 30x 0.00016; 1000 Genomes Project 0.00020.
gnomAD v4.1: 58 of 1,601,276 alleles (0.0036%); highest among the groups gnomAD compares: Non-Finnish European, 0.0047%; no homozygotes.

Submissions (5):

Women's Health and Genetics/Laboratory Corporation of America, LabCorp
Classification: Likely pathogenic for Leigh syndrome. Last evaluated: 2025-01-28. Review status: criteria provided, single submitter. Criteria: LabCorp Variant Classification Summary - May 2015. Collection method: clinical testing. Allele origin: germline.
Comment: Variant summary: NDUFV1 c.1080G>A (p.Ser360Ser) alters a conserved nucleotide located close to a canonical splice site and therefore could affect mRNA splicing, leading to a significantly altered protein sequence. Several computational tools predict a significant impact on normal splicing: Four predict the variant abolishes or weakens a 5' donor site. Multiple publications report experimental evidence that this variant affects mRNA splicing, creating a p.(Gly305AspfsTer12) change resulting in a premature termination codon (e.g. Wai_2020, Yamada_2019, Kiss_2023). The variant allele was found at a frequency of 3.5e-05 in 226246 control chromosomes. c.1080G>A has been reported in the literature in compound heterozygous individuals affected with mitochondrial disease including Mitochondrial complex I deficiency and mitochondrial encephalopathy (e.g. Cloney_2022, Hu_2020, Nesbitt_2014, Kiss_2023). These data indicate that the variant may be associated with disease. The following publications have been ascertained in the context of this evaluation (PMID: 34740920, 32348839, 36896486, 24642831, 32123317, 31687339). ClinVar contains an entry for this variant (Variation ID: 972920). Based on the evidence outlined above, the variant was classified as likely pathogenic.

Labcorp Genetics (formerly Invitae), Labcorp
Classification: Pathogenic. Last evaluated: 2024-01-08. Review status: criteria provided, single submitter. Criteria: Invitae Variant Classification Sherloc (09022015). Collection method: clinical testing. Allele origin: germline.
Comment: This sequence change affects codon 360 of the NDUFV1 mRNA. It is a 'silent' change, meaning that it does not change the encoded amino acid sequence of the NDUFV1 protein. RNA analysis indicates that this variant induces altered splicing and may result in an absent or disrupted protein product. This variant is present in population databases (rs201992354, gnomAD 0.005%). This variant has been observed in individual(s) with clinical features of NDUFV1-related conditions (PMID: 24642831, 32348839, 34740920). In at least one individual the data is consistent with being in trans (on the opposite chromosome) from a pathogenic variant. ClinVar contains an entry for this variant (Variation ID: 972920). Variants that disrupt the consensus splice site are a relatively common cause of aberrant splicing (PMID: 17576681, 9536098). Studies have shown that this variant results in aberrant splicing and introduces a premature termination codon (PMID: 31687339, 32123317). The resulting mRNA is expected to undergo nonsense-mediated decay. For these reasons, this variant has been classified as Pathogenic.

Broad Center for Mendelian Genomics, Broad Institute of MIT and Harvard
Classification: Uncertain significance for Mitochondrial complex I deficiency. Last evaluated: 2020-11-16. Review status: criteria provided, single submitter. Criteria: ACMG Guidelines, 2015. Collection method: curation. Allele origin: germline. Inheritance: Autosomal recessive inheritance.
Comment: Trio genome analysis revealed that this variant was in trans with another variant of uncertain significance. This variant has been reported in 2 individuals, one with unknown affected status and one with mitochondrial complex I deficiency, nuclear type 4 (PMID: 31687339, 32348839), both of which were compound heterozygotes that carried variants of uncertain significance in trans (VariationID: 496918; PMID: 32348839). The p.Ser360= variant has been identified in 0.005% (6/116856) of European non-Finnish chromosomes by the Genome Aggregation Database (gnomAD; dbSNP ID: rs201992354). Although this variant has been seen in the general population in a heterozygous state, its frequency is low enough to be consistent with a recessive carrier frequency. This variant has also been reported in ClinVar (variation ID#: 972920) and has been interpreted as likely pathogenic by the Molecular Genetic and Pathologic Diagnosis Center of Neuromuscular Disorder (Children's Hospital of Fudan University). Computational prediction tools and conservation analyses suggest that this variant may impact the protein, though this information is not predictive enough to determine pathogenicity. In summary, while there is some suspicion for a pathogenic role, the clinical significance of this variant is uncertain. ACMG/AMP Criteria applied: PM2, PP3, PM3_supporting (Richards 2015).

The Molecular Genetic and Pathologic Diagnosis Center of Neuromuscular Disorder, Children's Hospital of Fudan University
Classification: Likely pathogenic for Leigh syndrome. Last evaluated: 2019-12-01. Review status: criteria provided, single submitter. Criteria: ACMG Guidelines, 2015. Collection method: clinical testing. Allele origin: germline. Affected: yes.

Dr. Peter K. Rogan Lab, Western University
No classification provided (evidence only). Condition: Ovarian serous cystadenocarcinoma. Review status: no classification provided. Collection method: in vitro. Allele origin: not applicable. Functional consequence: retained intron. Not counted in ClinVar's aggregate classification.

Literature cited by the submitters: PubMed 32123317 (cited by Women's Health and Genetics/Laboratory Corporation of America, LabCorp and Labcorp Genetics (formerly Invitae), Labcorp); PubMed 32348839 (cited by 3 submitters); PubMed 24642831 (cited by Women's Health and Genetics/Laboratory Corporation of America, LabCorp and Labcorp Genetics (formerly Invitae), Labcorp); PubMed 34740920 (cited by Women's Health and Genetics/Laboratory Corporation of America, LabCorp and Labcorp Genetics (formerly Invitae), Labcorp); PubMed 31687339 (cited by 3 submitters); PubMed 36896486 (cited by Women's Health and Genetics/Laboratory Corporation of America, LabCorp); PubMed 17576681 (cited by Labcorp Genetics (formerly Invitae), Labcorp); PubMed 9536098 (cited by Labcorp Genetics (formerly Invitae), Labcorp).